The following is an entry in ClinVar:

NM_001369268.1(ACAN):c.566A>G (p.Gln189Arg)

Gene: ACAN (aggrecan; plus strand). Cytogenetic location: 15q26.1.
Variant type: single nucleotide variant.
Coding change: c.566A>G on transcript NM_001369268.1 (MANE Select); coding-DNA position 566, A replaced by G.
Protein change: p.Gln189Arg; replaces glutamine 189 with arginine.
Molecular consequence: missense variant.
Genome position (GRCh38, 1-based): chr15:88,840,123, A>G. VCF-style: chr15-88840123-A-G. GRCh37 (hg19) VCF-style: chr15-89383354-A-G.
Other names: c.566A>G, p.Gln189Arg (NM_001135.4, NM_001411096.1, NM_001411097.1 and 1 more transcripts); short protein forms Q189R.
Identifiers: ClinVar variation 4742561 (VCV004742561.1).

ClinVar aggregate classification (germline): Uncertain significance (1 of 4 stars; one submission).

Submission:

Labcorp Genetics (formerly Invitae), Labcorp
Classification: Uncertain significance. Last evaluated: 2025-07-06. Review status: criteria provided, single submitter. Criteria: Invitae Variant Classification Sherloc (09022015). Collection method: clinical testing. Allele origin: germline.
Comment: This sequence change replaces glutamine, which is neutral and polar, with arginine, which is basic and polar, at codon 189 of the ACAN protein (p.Gln189Arg). This variant is not present in population databases (gnomAD no frequency). This variant has not been reported in the literature in individuals affected with ACAN-related conditions. Invitae Evidence Modeling of protein sequence and biophysical properties (such as structural, functional, and spatial information, amino acid conservation, physicochemical variation, residue mobility, and thermodynamic stability) indicates that this missense variant is not expected to disrupt ACAN protein function with a negative predictive value of 80%. In summary, the available evidence is currently insufficient to determine the role of this variant in disease. Therefore, it has been classified as a Variant of Uncertain Significance.